The following is an entry in ClinVar:

NM_004408.4(DNM1):c.1894-18G>T

Gene: DNM1 (dynamin 1; plus strand). Cytogenetic location: 9q34.11.
Variant type: single nucleotide variant.
Coding change: c.1894-18G>T on transcript NM_004408.4 (MANE Select); 18 bases into the intron before coding-DNA position 1894, G replaced by T.
Molecular consequence: intron variant.
Genome position (GRCh38, 1-based): chr9:128,247,906, G>T. VCF-style: chr9-128247906-G-T. GRCh37 (hg19) VCF-style: chr9-131010185-G-T.
Other names: c.1894-18G>T (NM_001005336.3, NM_001288738.2, NM_001288737.2 and 1 more transcripts).
Identifiers: ClinVar variation 382865 (VCV000382865.10), dbSNP rs116335289, ClinGen allele CA5258366.

ClinVar aggregate classification (germline): Benign/Likely benign. Review status: criteria provided, multiple submitters, no conflicts (2 of 4 stars). 3 submissions from 3 submitters: Benign (2); Likely benign (1). Last evaluated 2026-02-03.

Conditions:
Developmental and epileptic encephalopathy, 31A. Also called: Epileptic encephalopathy, early infantile, 31; Developmental and epileptic encephalopathy, 31. Identifiers: Orphanet 2382, MedGen C4225357, MONDO:0014598, OMIM 616346.

Allele frequency attached by ClinVar (database versions not stated): gnomAD exomes 0.00093 and 0.00242; ExAC 0.00295; gnomAD 0.00893 and 0.00963; ESP Exome Variant Server 0.00984; 1000 Genomes Project 0.00998; TOPMed 0.01050; 1000 Genomes Project 30x 0.01093.
gnomAD v4.1: 2,792 of 1,613,320 alleles (0.17%); highest among the groups gnomAD compares: African/African-American, 3.2%; 45 homozygotes.

Submissions (3):

Labcorp Genetics (formerly Invitae), Labcorp
Classification: Benign for Developmental and epileptic encephalopathy, 31A. Last evaluated: 2026-02-03. Review status: criteria provided, single submitter. Criteria: Invitae Variant Classification Sherloc (09022015). Collection method: clinical testing. Allele origin: germline.

Center for Pediatric Genomic Medicine, Children's Mercy Hospital and Clinics
Classification: Likely benign. Last evaluated: 2017-04-19. Review status: criteria provided, single submitter. Criteria: ACMG Guidelines, 2015. Collection method: clinical testing. Allele origin: germline.

GeneDx
Classification: Benign. Last evaluated: 2016-01-20. Review status: criteria provided, single submitter. Criteria: GeneDx Variant Classification (06012015). Collection method: clinical testing. Allele origin: germline. Affected: yes.
Comment: This variant is considered likely benign or benign based on one or more of the following criteria: it is a conservative change, it occurs at a poorly conserved position in the protein, it is predicted to be benign by multiple in silico algorithms, and/or has population frequency not consistent with disease.